The following is an entry in ClinVar:

NM_001164508.2(NEB):c.21829C>T (p.Gln7277Ter)

Genes: NEB (nebulin; minus strand), RIF1 (replication timing regulatory factor 1; plus strand). Cytogenetic location: 2q23.3.
Variant type: single nucleotide variant.
Coding change: c.21829C>T on transcript NM_001164508.2 (MANE Select); coding-DNA position 21829, C replaced by T.
Protein change: p.Gln7277Ter; replaces glutamine 7277 with a stop codon.
Molecular consequence: nonsense.
Genome position (GRCh38, 1-based): chr2:151,527,492, G>A on the plus strand (C>T on the coding strand, the complement: NEB is on the minus strand). VCF-style: chr2-151527492-G-A. GRCh37 (hg19) VCF-style: chr2-152384006-G-A.
Other names: NM_001164508.2(NEB):c.21829C>T; p.Gln7277Ter; c.21829C>T, p.Gln7277Ter (NM_001164507.2); c.21934C>T, p.Gln7312Ter (NM_001271208.2); c.16726C>T, p.Gln5576Ter (NM_004543.5); short protein forms Q5576*, Q7277*, Q7312*.
Identifiers: ClinVar variation 1323339 (VCV001323339.6), dbSNP rs887471790, ClinGen allele CA348768709.
Genomic context (GRCh38, chr2:151,527,492, plus strand): 5'-TCTCAGGTGCAGTATGCAGTTACAATCGTCTGTGTCTCTCCTGTCTTACATCGCTTTGCT[G>A]CAGGGATGACTTGGCAGCCTGGAGGAAGTCCGGTCGGTCAGGAGTCCACTTCCAGTGGGC-3'

ClinVar aggregate classification (germline): Pathogenic/Likely pathogenic. Review status: criteria provided, multiple submitters, no conflicts (2 of 4 stars). 3 submissions from 3 submitters: Pathogenic (2); Likely pathogenic (1). Last evaluated 2026-01-27.

Conditions:
Nemaline myopathy. Also called: Myopathies, Nemaline. Identifiers: Orphanet 607, MedGen C0206157, MONDO:0018958.
Nemaline myopathy 2 (NEM2). Also called: Nemaline myopathy 2, autosomal recessive. Identifiers: MedGen C1850569, MONDO:0009725, OMIM 256030.

gnomAD v4.1: 1 of 1,612,534 alleles (0.000062%); highest among the groups gnomAD compares: Non-Finnish European, 0.000085%; no homozygotes.

Submissions (3):

Labcorp Genetics (formerly Invitae), Labcorp
Classification: Pathogenic for Nemaline myopathy 2. Last evaluated: 2026-01-27. Review status: criteria provided, single submitter. Criteria: Invitae Variant Classification Sherloc (09022015). Collection method: clinical testing. Allele origin: germline.
Comment: This sequence change creates a premature translational stop signal (p.Gln7312*) in the NEB gene. It is expected to result in an absent or disrupted protein product. Loss-of-function variants in NEB are known to be pathogenic (PMID: 25205138). This variant is not present in population databases (gnomAD no frequency). This variant has not been reported in the literature in individuals affected with NEB-related conditions. ClinVar contains an entry for this variant (Variation ID: 1323339). Algorithms developed to predict the effect of sequence changes on RNA splicing suggest that this variant may disrupt the consensus splice site. For these reasons, this variant has been classified as Pathogenic.

Broad Center for Mendelian Genomics, Broad Institute of MIT and Harvard
Classification: Likely pathogenic for Nemaline myopathy. Last evaluated: 2025-03-03. Review status: criteria provided, single submitter. Criteria: ACMG Guidelines, 2015. Collection method: curation. Allele origin: germline. Inheritance: Autosomal recessive inheritance.
Comment: The p.Gln7277Ter variant in NEB has not been previously reported in the literature in individuals with nemaline myopathy, but has been identified in 0.00009% (1/1179116) of European (non-Finnish) chromosomes by the Genome Aggregation Database (gnomAD; dbSNP ID: rs887471790). Although this variant has been seen in the general population in a heterozygous state, its frequency is low enough to be consistent with a recessive carrier frequency. This variant has also been reported in ClinVar (Variation ID: 1323339) and has been interpreted as pathogenic by Revvity Omics. This nonsense variant leads to a premature termination codon at position 7277, which is predicted to lead to a truncated or absent protein. Loss of function of the NEB gene is an established disease mechanism in autosomal recessive nemaline myopathy. In summary, although additional studies are required to fully establish its clinical significance, this variant is likely pathogenic for autosomal recessive nemaline myopathy. ACMG/AMP Criteria applied: PVS1, PM2_supporting (Richards 2015).

Revvity Omics, Revvity
Classification: Pathogenic. Last evaluated: 2019-02-14. Review status: criteria provided, single submitter. Criteria: ACMG Guidelines, 2015. Collection method: clinical testing. Allele origin: germline.

Literature cited by the submitters: PubMed 25205138 (cited by Labcorp Genetics (formerly Invitae), Labcorp).